The following is an entry in ClinVar:

NM_000512.5(GALNS):c.567-3C>T

Gene: GALNS (galactosamine (N-acetyl)-6-sulfatase; minus strand). Cytogenetic location: 16q24.3.
Variant type: single nucleotide variant.
Coding change: c.567-3C>T on transcript NM_000512.5 (MANE Select); 3 bases into the intron before coding-DNA position 567, C replaced by T.
Molecular consequence: intron variant.
Genome position (GRCh38, 1-based): chr16:88,836,270, G>A on the plus strand (C>T on the coding strand, the complement: GALNS is on the minus strand). VCF-style: chr16-88836270-G-A. GRCh37 (hg19) VCF-style: chr16-88902678-G-A.
Other names: c.12-3C>T (NM_001323543.2); c.585-3C>T (NM_001323544.2).
Identifiers: ClinVar variation 1048411 (VCV001048411.15), dbSNP rs549597016, ClinGen allele CA8235087.

ClinVar aggregate classification (germline): Conflicting classifications of pathogenicity. Review status: criteria provided, conflicting classifications (1 of 4 stars). 3 submissions from 3 submitters: Uncertain significance (1); Benign (1); Likely benign (1). Last evaluated 2026-01-20.

Conditions:
Mucopolysaccharidosis, MPS-IV-A (MPS4A). Also called: Mucopolysaccharidosis type IV A; Mucopolysaccharidosis Type IVA; Morquio syndrome A, mild; MORQUIO SYNDROME A; MPS IVA; mucopolysaccharidosis type 4A. Identifiers: Orphanet 309297, Orphanet 582, MedGen C0086651, MONDO:0009659, OMIM 253000.

Allele frequency attached by ClinVar (database versions not stated): gnomAD 0.00001 and 0.00013; TOPMed 0.00002; 1000 Genomes Project 30x 0.00031; gnomAD exomes 0.00033 and 0.00067; 1000 Genomes Project 0.00040; ExAC 0.00089.
gnomAD v4.1: 505 of 1,610,280 alleles (0.031%); highest among the groups gnomAD compares: South Asian, 0.53%; 9 homozygotes.

Submissions (3):

Labcorp Genetics (formerly Invitae), Labcorp
Classification: Benign for Mucopolysaccharidosis, MPS-IV-A. Last evaluated: 2026-01-20. Review status: criteria provided, single submitter. Criteria: Invitae Variant Classification Sherloc (09022015). Collection method: clinical testing. Allele origin: germline.

Genome-Nilou Lab
Classification: Likely benign for Mucopolysaccharidosis, MPS-IV-A. Last evaluated: 2021-11-07. Review status: criteria provided, single submitter. Criteria: ACMG Guidelines, 2015. Collection method: clinical testing. Allele origin: germline. Affected: no.

Laboratory of Diagnosis and Therapy of Lysosomal Disorders, University of Padova
Classification: Uncertain significance for Mucopolysaccharidosis, MPS-IV-A. Last evaluated: 2021-02-01. Review status: criteria provided, single submitter. Criteria: ACMG Guidelines, 2015. Collection method: research. Allele origin: germline. Affected: yes.
Comment: Allele frequency is greater than expected for disorder (BS1_strong)

Literature cited by the submitters: PubMed 34387910 (cited by Laboratory of Diagnosis and Therapy of Lysosomal Disorders, University of Padova).